The following is an entry in ClinVar:

NM_020247.5(COQ8A):c.1922G>C (p.Cys641Ser)

Gene: COQ8A (coenzyme Q8A; plus strand). Cytogenetic location: 1q42.13.
Variant type: single nucleotide variant.
Coding change: c.1922G>C on transcript NM_020247.5 (MANE Select); coding-DNA position 1922, G replaced by C.
Protein change: p.Cys641Ser; replaces cysteine 641 with serine.
Molecular consequence: missense variant.
Genome position (GRCh38, 1-based): chr1:226,986,715, G>C. VCF-style: chr1-226986715-G-C. GRCh37 (hg19) VCF-style: chr1-227174416-G-C.
Other names: short protein forms C641S.
Identifiers: ClinVar variation 1404302 (VCV001404302.7), dbSNP rs764835684, ClinGen allele CA1425708.

ClinVar aggregate classification (germline): Uncertain significance (1 of 4 stars; one submission).

Allele frequency attached by ClinVar (database versions not stated): gnomAD exomes 0.00001; ExAC 0.00002.

Submission:

Labcorp Genetics (formerly Invitae), Labcorp
Classification: Uncertain significance. Last evaluated: 2024-02-23. Review status: criteria provided, single submitter. Criteria: Invitae Variant Classification Sherloc (09022015). Collection method: clinical testing. Allele origin: germline.
Comment: This sequence change replaces cysteine, which is neutral and slightly polar, with serine, which is neutral and polar, at codon 641 of the COQ8A protein (p.Cys641Ser). This variant is present in population databases (rs764835684, gnomAD 0.005%). This variant has not been reported in the literature in individuals affected with COQ8A-related conditions. ClinVar contains an entry for this variant (Variation ID: 1404302). Advanced modeling of protein sequence and biophysical properties (such as structural, functional, and spatial information, amino acid conservation, physicochemical variation, residue mobility, and thermodynamic stability) performed at Invitae indicates that this missense variant is not expected to disrupt COQ8A protein function with a negative predictive value of 95%. In summary, the available evidence is currently insufficient to determine the role of this variant in disease. Therefore, it has been classified as a Variant of Uncertain Significance.